The following is an entry in ClinVar:

ClinVar aggregate classification (germline): Uncertain significance. Review status: criteria provided, multiple submitters, no conflicts (2 of 4 stars). 2 submissions from 2 submitters: Uncertain significance (2). Last evaluated 2022-03-03.

Allele frequency attached by ClinVar (database versions not stated): ExAC 0.00001; gnomAD exomes 0.00002.
gnomAD v4.1: 44 of 1,613,964 alleles (0.0027%); highest among the groups gnomAD compares: Non-Finnish European, 0.0032%; no homozygotes.

Submissions (2):

Labcorp Genetics (formerly Invitae), Labcorp
Classification: Uncertain significance. Last evaluated: 2022-03-03. Review status: criteria provided, single submitter. Criteria: Invitae Variant Classification Sherloc (09022015). Collection method: clinical testing. Allele origin: germline.
Comment: This sequence change falls in intron 3 of the ELP1 gene. It does not directly change the encoded amino acid sequence of the ELP1 protein. It affects a nucleotide within the consensus splice site. This variant is present in population databases (rs751049765, gnomAD 0.002%). This variant has not been reported in the literature in individuals affected with ELP1-related conditions. Variants that disrupt the consensus splice site are a relatively common cause of aberrant splicing (PMID: 17576681, 9536098). Algorithms developed to predict the effect of sequence changes on RNA splicing suggest that this variant is not likely to affect RNA splicing. In summary, the available evidence is currently insufficient to determine the role of this variant in disease. Therefore, it has been classified as a Variant of Uncertain Significance.

Ambry Genetics
Classification: Uncertain significance. Last evaluated: 2022-02-10. Review status: criteria provided, single submitter. Criteria: Ambry Variant Classification Scheme 2023. Collection method: clinical testing. Allele origin: germline.
Comment: The c.303+5G>C intronic variant results from a G to C substitution 5 nucleotides after coding exon 2 in the IKBKAP gene. This nucleotide position is well conserved in available vertebrate species. In silico splice site analysis predicts that this alteration will not have any significant effect on splicing. Since supporting evidence is limited at this time, the clinical significance of this alteration remains unclear.

Literature cited by the submitters: PubMed 17576681 (cited by Labcorp Genetics (formerly Invitae), Labcorp); PubMed 9536098 (cited by Labcorp Genetics (formerly Invitae), Labcorp).

NM_003640.5(ELP1):c.303+5G>C

Gene: ELP1 (elongator acetyltransferase complex subunit 1; minus strand). Cytogenetic location: 9q31.3.
Variant type: single nucleotide variant.
Coding change: c.303+5G>C on transcript NM_003640.5 (MANE Select); 5 bases into the intron after coding-DNA position 303, G replaced by C.
Molecular consequence: intron variant.
Genome position (GRCh38, 1-based): chr9:108,929,764, C>G on the plus strand (G>C on the coding strand, the complement: ELP1 is on the minus strand). VCF-style: chr9-108929764-C-G. GRCh37 (hg19) VCF-style: chr9-111692044-C-G.
Other names: c.-40+5G>C (NM_001318360.2); c.-557+5G>C (NM_001330749.2).
Identifiers: ClinVar variation 1800018 (VCV001800018.4), dbSNP rs751049765, ClinGen allele CA5175418.